The following is an entry in ClinVar:

NM_000255.4(MMUT):c.1218del (p.Asn407fs)

Gene: MMUT (methylmalonyl-CoA mutase; minus strand). Cytogenetic location: 6p12.3.
Variant type: Deletion.
Coding change: c.1218del on transcript NM_000255.4 (MANE Select); coding-DNA position 1218, one base deleted (G; older notation c.1218delG).
Protein change: p.Asn407fs; shifts the reading frame from asparagine 407.
Molecular consequence: frameshift variant.
Genome position (GRCh38, 1-based): chr6:49,451,580, C deleted on the plus strand (G on the coding strand, the reverse complement: MMUT is on the minus strand); the first of 2 consecutive C bases (chr6:49,451,580-49,451,581); deleting either gives the same sequence. VCF-style (leftmost placement, unchanged base first): chr6-49451579-TC-T. GRCh37 (hg19) VCF-style: chr6-49419292-TC-T.
Other names: short protein forms N407fs.
Identifiers: ClinVar variation 973473 (VCV000973473.7), dbSNP rs1050465802, ClinGen allele CA138796356.

ClinVar aggregate classification (germline): Pathogenic. Review status: criteria provided, multiple submitters, no conflicts (2 of 4 stars). 2 submissions from 2 submitters: Pathogenic (2). Last evaluated 2023-07-16.

Conditions:
Methylmalonic aciduria due to methylmalonyl-CoA mutase deficiency (MAMM). Also called: Methylmalonic aciduria, mut type. Identifiers: Orphanet 27, MedGen C1855114, MONDO:0009612, OMIM 251000.

Submissions (2):

Labcorp Genetics (formerly Invitae), Labcorp
Classification: Pathogenic. Last evaluated: 2023-07-16. Review status: criteria provided, single submitter. Criteria: Invitae Variant Classification Sherloc (09022015). Collection method: clinical testing. Allele origin: germline.
Comment: This sequence change creates a premature translational stop signal (p.Asn407Thrfs*24) in the MUT gene. It is expected to result in an absent or disrupted protein product. Loss-of-function variants in MUT are known to be pathogenic (PMID: 15781192). This variant is present in population databases (no rsID available, gnomAD 0.01%). For these reasons, this variant has been classified as Pathogenic. ClinVar contains an entry for this variant (Variation ID: 973473). This variant has not been reported in the literature in individuals affected with MUT-related conditions.

Elsea Laboratory, Baylor College of Medicine
Classification: Pathogenic for Methylmalonic aciduria due to methylmalonyl-CoA mutase deficiency. Last evaluated: 2020-04-01. Review status: criteria provided, single submitter. Criteria: ACMG Guidelines, 2015. Collection method: clinical testing. Allele origin: maternal. Affected: yes.

Literature cited by the submitters: PubMed 15781192 (cited by Labcorp Genetics (formerly Invitae), Labcorp).